The following is an entry in ClinVar:

NM_015294.6(TRIM37):c.943-135A>G

Gene: TRIM37 (tripartite motif containing 37; minus strand). Cytogenetic location: 17q22.
Variant type: single nucleotide variant.
Coding change: c.943-135A>G on transcript NM_015294.6 (MANE Select); 135 bases into the intron before coding-DNA position 943, A replaced by G.
Molecular consequence: intron variant.
Genome position (GRCh38, 1-based): chr17:59,061,243, T>C on the plus strand (A>G on the coding strand, the complement: TRIM37 is on the minus strand). VCF-style: chr17-59061243-T-C. GRCh37 (hg19) VCF-style: chr17-57138604-T-C.
Other names: c.943-135A>G (NM_001320989.3, NM_001005207.5, NM_001320988.3 and 1 more transcripts); c.481-135A>G (NM_001353085.2); c.841-135A>G (NM_001320987.3, NM_001353082.2); c.892-135A>G (NM_001353086.2); c.208-135A>G (NM_001353083.2); c.577-135A>G (NM_001320990.3).
Identifiers: ClinVar variation 1706766 (VCV001706766.2), dbSNP rs114352528, ClinGen allele CA292078026.

ClinVar aggregate classification (germline): Likely benign (1 of 4 stars; one submission).

Allele frequency attached by ClinVar (database versions not stated): gnomAD exomes 0.00124; 1000 Genomes Project 30x 0.00984; 1000 Genomes Project 0.01038; gnomAD 0.01135; TOPMed 0.01284.
gnomAD v4.1: 2,430 of 713,390 alleles (0.34%); highest among the groups gnomAD compares: African/African-American, 3.9%; 42 homozygotes.

Submission:

GeneDx
Classification: Likely benign. Last evaluated: 2020-09-20. Review status: criteria provided, single submitter. Criteria: GeneDx Variant Classification Process June 2021. Collection method: clinical testing. Allele origin: germline. Affected: yes.
Comment: See Variant Classification Assertion Criteria.